The following is an entry in ClinVar:

ClinVar aggregate classification (germline): Pathogenic/Likely pathogenic. Review status: criteria provided, multiple submitters, no conflicts (2 of 4 stars). 2 submissions from 2 submitters: Pathogenic (1); Likely pathogenic (1). Last evaluated 2026-03-01.

Submissions (2):

CeGaT Center for Human Genetics Tuebingen
Classification: Likely pathogenic. Last evaluated: 2026-03-01. Review status: criteria provided, single submitter. Criteria: CeGaT Center For Human Genetics Tuebingen Variant Classification Criteria Version 2. Collection method: clinical testing. Allele origin: germline. Affected: yes. Observed: 1 variant allele.
Comment: SPTAN1: PVS1:Strong, PM2

GeneDx
Classification: Pathogenic. Last evaluated: 2024-09-06. Review status: criteria provided, single submitter. Criteria: GeneDx Variant Classification Process June 2021. Collection method: clinical testing. Allele origin: germline. Affected: yes.
Comment: Nonsense variant predicted to result in protein truncation or nonsense mediated decay in a gene for which loss of function is a known mechanism of disease; Not observed at significant frequency in large population cohorts (gnomAD); Has not been previously published as pathogenic or benign to our knowledge

NM_001130438.3(SPTAN1):c.78C>G (p.Tyr26Ter)

Gene: SPTAN1 (spectrin alpha, non-erythrocytic 1; plus strand). Cytogenetic location: 9q34.11.
Variant type: single nucleotide variant.
Coding change: c.78C>G on transcript NM_001130438.3 (MANE Select); coding-DNA position 78, C replaced by G.
Protein change: p.Tyr26Ter; replaces tyrosine 26 with a stop codon.
Molecular consequence: nonsense.
Genome position (GRCh38, 1-based): chr9:128,566,818, C>G. VCF-style: chr9-128566818-C-G. GRCh37 (hg19) VCF-style: chr9-131329097-C-G.
Other names: c.78C>G, p.Tyr26Ter (NM_001195532.2, NM_001363759.2, NM_001363765.2 and 5 more transcripts); c.114C>G, p.Tyr38Ter (NM_001375312.2, NM_001375318.1); short protein forms Y26*, Y38*.
Identifiers: ClinVar variation 3767618 (VCV003767618.5).